The following is an entry in ClinVar:

NM_005458.8(GABBR2):c.1280A>C (p.Lys427Thr)

Gene: GABBR2 (gamma-aminobutyric acid type B receptor subunit 2; minus strand). Cytogenetic location: 9q22.33.
Variant type: single nucleotide variant.
Coding change: c.1280A>C on transcript NM_005458.8 (MANE Select); coding-DNA position 1280, A replaced by C.
Protein change: p.Lys427Thr; replaces lysine 427 with threonine.
Molecular consequence: missense variant.
Genome position (GRCh38, 1-based): chr9:98,406,098, T>G on the plus strand (A>C on the coding strand, the complement: GABBR2 is on the minus strand). VCF-style: chr9-98406098-T-G. GRCh37 (hg19) VCF-style: chr9-101168380-T-G.
Other names: short protein forms K427T.
Identifiers: ClinVar variation 2801187 (VCV002801187.3), dbSNP rs1440643786, ClinGen allele CA374213087.

ClinVar aggregate classification (germline): Uncertain significance (1 of 4 stars; one submission).

Conditions:
Epileptic encephalopathy. Identifiers: MedGen C0543888, HP:0200134.

Allele frequency attached by ClinVar (database versions not stated): TOPMed below 0.00001.

Submission:

Labcorp Genetics (formerly Invitae), Labcorp
Classification: Uncertain significance for Epileptic encephalopathy. Last evaluated: 2024-01-22. Review status: criteria provided, single submitter. Criteria: Invitae Variant Classification Sherloc (09022015). Collection method: clinical testing. Allele origin: germline.
Comment: This sequence change replaces lysine, which is basic and polar, with threonine, which is neutral and polar, at codon 427 of the GABBR2 protein (p.Lys427Thr). This variant is present in population databases (no rsID available, gnomAD 0.01%). This variant has not been reported in the literature in individuals affected with GABBR2-related conditions. Advanced modeling of protein sequence and biophysical properties (such as structural, functional, and spatial information, amino acid conservation, physicochemical variation, residue mobility, and thermodynamic stability) performed at Invitae indicates that this missense variant is not expected to disrupt GABBR2 protein function with a negative predictive value of 80%. In summary, the available evidence is currently insufficient to determine the role of this variant in disease. Therefore, it has been classified as a Variant of Uncertain Significance.